The following is an entry in ClinVar:

NM_015311.3(OBSL1):c.3974T>C (p.Val1325Ala)

Gene: OBSL1 (obscurin like cytoskeletal adaptor 1; minus strand). Cytogenetic location: 2q35.
Variant type: single nucleotide variant.
Coding change: c.3974T>C on transcript NM_015311.3 (MANE Select); coding-DNA position 3974, T replaced by C.
Protein change: p.Val1325Ala; replaces valine 1325 with alanine.
Molecular consequence: missense variant.
Genome position (GRCh38, 1-based): chr2:219,557,435, A>G on the plus strand (T>C on the coding strand, the complement: OBSL1 is on the minus strand). VCF-style: chr2-219557435-A-G. GRCh37 (hg19) VCF-style: chr2-220422157-A-G.
Other names: c.3974T>C, p.Val1325Ala (NM_001173431.2); short protein forms V1325A.
Identifiers: ClinVar variation 2651933 (VCV002651933.24), dbSNP rs759293822, ClinGen allele CA350732906.
Genomic context (GRCh38, chr2:219,557,435, plus strand): 5'-TGGGGCGCATCGCACAGGTACTCCCCAGCGTCCCCGCTCCGTGCCCCCTGCACCCGCAGC[A>G]CCTGCCTGGCCCCGGCCTGCTCCAGCTGCACCCGCCCCTGGCTTGCCAGTCGCTCCCCGT-3'
Protein context (NP_056126.1, residues 1315-1335): VQLEQAGARQ[Val1325Ala]LRVQGARSGD

ClinVar aggregate classification (germline): Uncertain significance (1 of 4 stars; one submission).

gnomAD v4.1: 5 of 1,548,256 alleles (0.00032%); highest among the groups gnomAD compares: South Asian, 0.006%; no homozygotes.

Submission:

CeGaT Center for Human Genetics Tuebingen
Classification: Uncertain significance. Last evaluated: 2022-11-01. Review status: criteria provided, single submitter. Criteria: CeGaT Center For Human Genetics Tuebingen Variant Classification Criteria Version 2. Collection method: clinical testing. Allele origin: germline. Affected: yes. Observed: 1 variant allele.
Comment: OBSL1: PM2, BP1